The following is an entry in ClinVar:

ClinVar aggregate classification (germline): Likely pathogenic. Review status: criteria provided, multiple submitters, no conflicts (2 of 4 stars). 2 submissions from 2 submitters: Likely pathogenic (2). Last evaluated 2025-05-26.

Conditions:
RTN4IP1-related disorder. Also called: RTN4IP1-related condition.

Allele frequency attached by ClinVar (database versions not stated): gnomAD exomes below 0.00001; gnomAD 0.00001; TOPMed 0.00001.
gnomAD v4.1: 6 of 1,613,996 alleles (0.00037%); highest among the groups gnomAD compares: Non-Finnish European, 0.00051%; no homozygotes.

Submissions (2):

Labcorp Genetics (formerly Invitae), Labcorp
Classification: Likely pathogenic. Last evaluated: 2025-05-26. Review status: criteria provided, single submitter. Criteria: Invitae Variant Classification Sherloc (09022015). Collection method: clinical testing. Allele origin: germline.
Comment: This sequence change affects a donor splice site in intron 4 of the RTN4IP1 gene. It is expected to disrupt RNA splicing. Variants that disrupt the donor or acceptor splice site typically lead to a loss of protein function (PMID: 16199547), and loss-of-function variants in RTN4IP1 are known to be pathogenic (PMID: 26593267). This variant is not present in population databases (gnomAD no frequency). This variant has not been reported in the literature in individuals affected with RTN4IP1-related conditions. ClinVar contains an entry for this variant (Variation ID: 1067145). Algorithms developed to predict the effect of sequence changes on RNA splicing suggest that this variant may disrupt the consensus splice site. In summary, the currently available evidence indicates that the variant is pathogenic, but additional data are needed to prove that conclusively. Therefore, this variant has been classified as Likely Pathogenic.

Blueprint Genetics
Classification: Likely pathogenic for RTN4IP1-related disorders. Last evaluated: 2020-03-05. Review status: criteria provided, single submitter. Criteria: ACMG Guidelines, 2015. Collection method: clinical testing. Allele origin: germline. Affected: yes. Observed: 3 variant alleles.

Literature cited by the submitters: PubMed 16199547 (cited by Labcorp Genetics (formerly Invitae), Labcorp); PubMed 26593267 (cited by Labcorp Genetics (formerly Invitae), Labcorp).

NM_032730.5(RTN4IP1):c.620+1G>C

Gene: RTN4IP1 (reticulon 4 interacting protein 1; minus strand). Cytogenetic location: 6q21.
Variant type: single nucleotide variant.
Coding change: c.620+1G>C on transcript NM_032730.5 (MANE Select); the canonical splice donor site of the intron after coding-DNA position 620, G replaced by C.
Molecular consequence: splice donor variant.
Genome position (GRCh38, 1-based): chr6:106,619,201, C>G on the plus strand (G>C on the coding strand, the complement: RTN4IP1 is on the minus strand). VCF-style: chr6-106619201-C-G. GRCh37 (hg19) VCF-style: chr6-107067076-C-G.
Other names: c.320+1G>C (NM_001318746.1).
Identifiers: ClinVar variation 1067145 (VCV001067145.8), dbSNP rs1360314039, ClinGen allele CA365163127.